The following is an entry in ClinVar:

NM_001005498.4(RHBDF2):c.367G>A (p.Gly123Ser)

Gene: RHBDF2 (rhomboid 5 homolog 2; minus strand). Cytogenetic location: 17q25.1.
Variant type: single nucleotide variant.
Coding change: c.367G>A on transcript NM_001005498.4 (MANE Select); coding-DNA position 367, G replaced by A.
Protein change: p.Gly123Ser; replaces glycine 123 with serine.
Molecular consequence: missense variant. On other transcripts: non-coding transcript variant (3).
Genome position (GRCh38, 1-based): chr17:76,479,183, C>T on the plus strand (G>A on the coding strand, the complement: RHBDF2 is on the minus strand). VCF-style: chr17-76479183-C-T. GRCh37 (hg19) VCF-style: chr17-74475265-C-T.
Other names: c.367G>A, p.Gly123Ser (NM_001376228.1, NM_001376229.1, NM_001376230.1); c.454G>A, p.Gly152Ser (NM_024599.5); short protein forms G123S, G152S.
Identifiers: ClinVar variation 1408619 (VCV001408619.8), dbSNP rs777471290, ClinGen allele CA8787362.

ClinVar aggregate classification (germline): Uncertain significance. Review status: criteria provided, multiple submitters, no conflicts (2 of 4 stars). 3 submissions from 3 submitters: Uncertain significance (3). Last evaluated 2025-08-29.

Conditions:
Palmoplantar keratoderma-esophageal carcinoma syndrome (TOC). Also called: Tylosis with Esophageal Cancer; KERATOSIS PALMARIS ET PLANTARIS WITH ESOPHAGEAL CANCER; PALMOPLANTAR KERATODERMA WITH ESOPHAGEAL CANCER. Identifiers: Orphanet 2198, MedGen C1835664, MONDO:0007856, OMIM 148500.
Inborn genetic diseases. Identifiers: MedGen C0950123, MeSH D030342.

Allele frequency attached by ClinVar (database versions not stated): TOPMed below 0.00001; gnomAD exomes 0.00001 and 0.00002; gnomAD 0.00003; ExAC 0.00004.

Submissions (3):

Ambry Genetics
Classification: Uncertain significance for Inborn genetic diseases. Last evaluated: 2025-08-29. Review status: criteria provided, single submitter. Criteria: Ambry Variant Classification Scheme 2023. Collection method: clinical testing. Allele origin: germline.

Baylor Genetics
Classification: Uncertain significance for Palmoplantar keratoderma-esophageal carcinoma syndrome. Last evaluated: 2024-03-04. Review status: criteria provided, single submitter. Criteria: ACMG Guidelines, 2015. Collection method: clinical testing. Allele origin: unknown.

Labcorp Genetics (formerly Invitae), Labcorp
Classification: Uncertain significance. Last evaluated: 2023-08-30. Review status: criteria provided, single submitter. Criteria: Invitae Variant Classification Sherloc (09022015). Collection method: clinical testing. Allele origin: germline.
Comment: In summary, the available evidence is currently insufficient to determine the role of this variant in disease. Therefore, it has been classified as a Variant of Uncertain Significance. An algorithm developed to predict the effect of missense changes on protein structure and function (PolyPhen-2) suggests that this variant is likely to be disruptive. ClinVar contains an entry for this variant (Variation ID: 1408619). This variant has not been reported in the literature in individuals affected with RHBDF2-related conditions. This variant is present in population databases (rs777471290, gnomAD 0.01%). This sequence change replaces glycine, which is neutral and non-polar, with serine, which is neutral and polar, at codon 152 of the RHBDF2 protein (p.Gly152Ser).